The following is an entry in ClinVar:

ClinVar aggregate classification (germline): Uncertain significance (1 of 4 stars; one submission).

Conditions:
Idiopathic generalized epilepsy. Also called: EIG; Generalised epilepsy. Identifiers: MedGen C0270850, MONDO:0005579, OMIM 600669.

Allele frequency attached by ClinVar (database versions not stated): gnomAD exomes 0.00002 and 0.00020; ExAC 0.00005; gnomAD 0.00033 and 0.00035; TOPMed 0.00042.
gnomAD v4.1: 80 of 1,525,316 alleles (0.0052%); highest among the groups gnomAD compares: Admixed American, 0.14%; no homozygotes.

Submission:

Labcorp Genetics (formerly Invitae), Labcorp
Classification: Uncertain significance for Idiopathic generalized epilepsy. Last evaluated: 2025-08-11. Review status: criteria provided, single submitter. Criteria: Invitae Variant Classification Sherloc (09022015). Collection method: clinical testing. Allele origin: germline.
Comment: This sequence change replaces threonine, which is neutral and polar, with methionine, which is neutral and non-polar, at codon 82 of the RBFOX3 protein (p.Thr82Met). This variant is present in population databases (rs748950439, gnomAD 0.1%), and has an allele count higher than expected for a pathogenic variant. This variant has not been reported in the literature in individuals affected with RBFOX3-related conditions. ClinVar contains an entry for this variant (Variation ID: 844376). Invitae Evidence Modeling of protein sequence and biophysical properties (such as structural, functional, and spatial information, amino acid conservation, physicochemical variation, residue mobility, and thermodynamic stability) indicates that this missense variant is not expected to disrupt RBFOX3 protein function with a negative predictive value of 80%. In summary, the available evidence is currently insufficient to determine the role of this variant in disease. Therefore, it has been classified as a Variant of Uncertain Significance.

NM_001350451.2(RBFOX3):c.245C>T (p.Thr82Met)

Gene: RBFOX3 (RNA binding fox-1 homolog 3; minus strand). Cytogenetic location: 17q25.3.
Variant type: single nucleotide variant.
Coding change: c.245C>T on transcript NM_001350451.2 (MANE Select); coding-DNA position 245, C replaced by T.
Protein change: p.Thr82Met; replaces threonine 82 with methionine.
Molecular consequence: missense variant.
Genome position (GRCh38, 1-based): chr17:79,106,766, G>A on the plus strand (C>T on the coding strand, the complement: RBFOX3 is on the minus strand). VCF-style: chr17-79106766-G-A. GRCh37 (hg19) VCF-style: chr17-77102848-G-A.
Other names: c.245C>T, p.Thr82Met (NM_001082575.3, NM_001350453.2, NM_001385804.1 and 36 more transcripts); c.242C>T, p.Thr81Met (NM_001385806.1, NM_001385822.1, NM_001385823.1 and 4 more transcripts); short protein forms T82M, T81M.
Identifiers: ClinVar variation 844376 (VCV000844376.9), dbSNP rs748950439, ClinGen allele CA8810329.